The following is an entry in ClinVar:

ClinVar aggregate classification (germline): Uncertain significance. Review status: criteria provided, multiple submitters, no conflicts (2 of 4 stars). 4 submissions from 4 submitters: Uncertain significance (4). Last evaluated 2026-02-10.

Conditions:
Cobblestone lissencephaly without muscular or ocular involvement. Also called: LEUKOENCEPHALOPATHY WITH VARIABLE CORTICAL BRAIN MALFORMATIONS AND/OR HYDROCEPHALUS; Lissencephaly 5. Identifiers: Orphanet 352682, MedGen C3554657, MONDO:0014077, OMIM 615191.

Allele frequency attached by ClinVar (database versions not stated): gnomAD 0.00002; TOPMed 0.00005; gnomAD exomes 0.00009 and 0.00022; ExAC 0.00019.
gnomAD v4.1: 59 of 1,614,090 alleles (0.0037%); highest among the groups gnomAD compares: Admixed American, 0.098%; no homozygotes.

Submissions (4):

Women's Health and Genetics/Laboratory Corporation of America, LabCorp
Classification: Uncertain significance. Last evaluated: 2026-02-10. Review status: criteria provided, single submitter. Criteria: LabCorp Variant Classification Summary - May 2015. Collection method: clinical testing. Allele origin: germline.
Comment: Variant summary: LAMB1 c.2270A>C (p.Asn757Thr) results in a non-conservative amino acid change in the encoded protein sequence. Algorithms developed to predict the effect of missense changes on protein structure and function are either unavailable or do not agree on the potential impact of this missense change. The variant allele was found at a frequency of 0.00022 in 251422 control chromosomes. This frequency is not significantly higher than estimated for disease-causing variants in LAMB1, allowing no conclusion about variant significance. To our knowledge, no occurrence of c.2270A>C in individuals affected with LAMB1-related conditions and no experimental evidence demonstrating its impact on protein function have been reported. ClinVar contains an entry for this variant (Variation ID: 1254138). Based on the evidence outlined above, the variant was classified as uncertain significance.

Labcorp Genetics (formerly Invitae), Labcorp
Classification: Uncertain significance. Last evaluated: 2025-08-26. Review status: criteria provided, single submitter. Criteria: Invitae Variant Classification Sherloc (09022015). Collection method: clinical testing. Allele origin: germline.
Comment: This sequence change replaces asparagine, which is neutral and polar, with threonine, which is neutral and polar, at codon 757 of the LAMB1 protein (p.Asn757Thr). This variant is present in population databases (rs761321107, gnomAD 0.2%). This variant has not been reported in the literature in individuals affected with LAMB1-related conditions. ClinVar contains an entry for this variant (Variation ID: 1254138). An algorithm developed to predict the effect of missense changes on protein structure and function (PolyPhen-2) suggests that this variant is likely to be tolerated. In summary, the available evidence is currently insufficient to determine the role of this variant in disease. Therefore, it has been classified as a Variant of Uncertain Significance.

GeneDx
Classification: Uncertain significance. Last evaluated: 2023-12-13. Review status: criteria provided, single submitter. Criteria: GeneDx Variant Classification Process June 2021. Collection method: clinical testing. Allele origin: germline. Affected: yes.
Comment: In silico analysis supports that this missense variant does not alter protein structure/function; Has not been previously published as pathogenic or benign to our knowledge; This variant is associated with the following publications: (PMID: 23472759)

Revvity Omics, Revvity
Classification: Uncertain significance for Cobblestone lissencephaly without muscular or ocular involvement. Last evaluated: 2021-08-06. Review status: criteria provided, single submitter. Criteria: ACMG Guidelines, 2015. Collection method: clinical testing. Allele origin: germline.

NM_002291.3(LAMB1):c.2270A>C (p.Asn757Thr)

Gene: LAMB1 (laminin subunit beta 1; minus strand). Cytogenetic location: 7q31.1.
Variant type: single nucleotide variant.
Coding change: c.2270A>C on transcript NM_002291.3 (MANE Select); coding-DNA position 2270, A replaced by C.
Protein change: p.Asn757Thr; replaces asparagine 757 with threonine.
Molecular consequence: missense variant.
Genome position (GRCh38, 1-based): chr7:107,960,489, T>G on the plus strand (A>C on the coding strand, the complement: LAMB1 is on the minus strand). VCF-style: chr7-107960489-T-G. GRCh37 (hg19) VCF-style: chr7-107600934-T-G.
Other names: short protein forms N757T.
Identifiers: ClinVar variation 1254138 (VCV001254138.12), dbSNP rs761321107, ClinGen allele CA4435706.